The following is an entry in ClinVar:

NM_000137.4(FAH):c.394C>T (p.Gln132Ter)

Gene: FAH (fumarylacetoacetate hydrolase; plus strand). Cytogenetic location: 15q25.1.
Variant type: single nucleotide variant.
Coding change: c.394C>T on transcript NM_000137.4 (MANE Select); coding-DNA position 394, C replaced by T.
Protein change: p.Gln132Ter; replaces glutamine 132 with a stop codon.
Molecular consequence: nonsense.
Genome position (GRCh38, 1-based): chr15:80,162,275, C>T. VCF-style: chr15-80162275-C-T. GRCh37 (hg19) VCF-style: chr15-80454617-C-T.
Other names: c.394C>T, p.Gln132Ter (NM_001374377.1, NM_001374380.1); short protein forms Q132*.
Identifiers: ClinVar variation 984266 (VCV000984266.3), dbSNP rs2041155591, ClinGen allele CA393619370.

ClinVar aggregate classification (germline): Likely pathogenic (1 of 4 stars; one submission).

Conditions:
Tyrosinemia type I (TYRSN1). Also called: FAH DEFICIENCY; Tyrosinemia type 1; Fumarylacetoacetase deficiency; Deficiency of fumarylacetoacetase; HEPATORENAL TYROSINEMIA. Identifiers: Orphanet 882, MedGen C0268490, MONDO:0010161, OMIM 276700. Disease mechanism: loss of function.

Allele frequency attached by ClinVar (database versions not stated): gnomAD exomes below 0.00001.
gnomAD v4.1: 1 of 1,614,196 alleles (0.000062%); highest among the groups gnomAD compares: Non-Finnish European, 0.000085%; no homozygotes.

Submission:

Myriad Genetics, Inc.
Classification: Likely pathogenic for Tyrosinemia type I. Last evaluated: 2019-12-15. Review status: criteria provided, single submitter. Criteria: Myriad Women's Health Autosomal Recessive and X-Linked Classification Criteria (2019). Collection method: clinical testing. Allele origin: unknown.
Comment: NM_000137.2(FAH):c.394C>T(Q132*) is expected to be pathogenic in the context of tyrosinemia type I. This variant is predicted to lead to an abnormal or absent protein product due to the creation of a premature termination codon in FAH, a gene where loss-of-function variants are known to be pathogenic. Please note: this variant was assessed in the context of healthy population screening.